The following is an entry in ClinVar:

ClinVar aggregate classification (germline): Uncertain significance (1 of 4 stars; one submission).

Submission:

Labcorp Genetics (formerly Invitae), Labcorp
Classification: Uncertain significance. Last evaluated: 2025-01-20. Review status: criteria provided, single submitter. Criteria: Invitae Variant Classification Sherloc (09022015). Collection method: clinical testing. Allele origin: germline.
Comment: This sequence change replaces threonine, which is neutral and polar, with serine, which is neutral and polar, at codon 2019 of the FBN3 protein (p.Thr2019Ser). This variant is not present in population databases (gnomAD no frequency). This variant has not been reported in the literature in individuals affected with FBN3-related conditions. ClinVar contains an entry for this variant (Variation ID: 2739216). Invitae Evidence Modeling of protein sequence and biophysical properties (such as structural, functional, and spatial information, amino acid conservation, physicochemical variation, residue mobility, and thermodynamic stability) indicates that this missense variant is not expected to disrupt FBN3 protein function with a negative predictive value of 80%. In summary, the available evidence is currently insufficient to determine the role of this variant in disease. Therefore, it has been classified as a Variant of Uncertain Significance.

NM_032447.5(FBN3):c.6055A>T (p.Thr2019Ser)

Gene: FBN3 (fibrillin 3; minus strand). Cytogenetic location: 19p13.2.
Variant type: single nucleotide variant.
Coding change: c.6055A>T on transcript NM_032447.5 (MANE Select); coding-DNA position 6055, A replaced by T.
Protein change: p.Thr2019Ser; replaces threonine 2019 with serine.
Molecular consequence: missense variant.
Genome position (GRCh38, 1-based): chr19:8,090,228, T>A on the plus strand (A>T on the coding strand, the complement: FBN3 is on the minus strand). VCF-style: chr19-8090228-T-A. GRCh37 (hg19) VCF-style: chr19-8155112-T-A.
Other names: c.6055A>T, p.Thr2019Ser (NM_001321431.2); short protein forms T2019S.
Identifiers: ClinVar variation 2739216 (VCV002739216.3), dbSNP rs2512658672, ClinGen allele CA403721016.
Genomic context (GRCh38, chr19:8,090,228, plus strand): 5'-AGCGGGTCTTGGTGGTGTTGAAAGCTTTGGGCACCGAGCACTTCCCAGCCTCAAAACGGG[T>A]GAAGCAGAAACTCTGCCGTGTGTCTGTGGGGTGGGGGCTCCATTACCCTGATTGAAAGCC-3'
Protein context (NP_115823.3, residues 2009-2029): CFDTRQSFCF[Thr2019Ser]RFEAGKCSVP